The following is an entry in ClinVar:

ClinVar aggregate classification (germline): Pathogenic (1 of 4 stars; one submission).

Conditions:
Curry-Hall syndrome (WAD). Also called: WEYERS ACRODENTAL DYSOSTOSIS. Identifiers: Orphanet 952, MedGen C0457013, MONDO:0008673, OMIM 193530.
Ellis-van Creveld syndrome (EVC). Also called: EVC-Related Ellis-van Creveld Syndrome; EVC2-Related Ellis-van Creveld Syndrome; MESOECTODERMAL DYSPLASIA; Chondroectodermal dysplasia. Identifiers: Orphanet 289, MedGen C0013903, MONDO:0009162, OMIM 225500.

Submission:

Labcorp Genetics (formerly Invitae), Labcorp
Classification: Pathogenic for Curry-Hall syndrome; Ellis-van Creveld syndrome. Last evaluated: 2023-08-31. Review status: criteria provided, single submitter. Criteria: Invitae Variant Classification Sherloc (09022015). Collection method: clinical testing. Allele origin: germline.
Comment: This variant is not present in population databases (gnomAD no frequency). This sequence change creates a premature translational stop signal (p.Arg697Glyfs*69) in the EVC gene. It is expected to result in an absent or disrupted protein product. Loss-of-function variants in EVC are known to be pathogenic (PMID: 23220543). This variant has not been reported in the literature in individuals affected with EVC-related conditions. For these reasons, this variant has been classified as Pathogenic.

Literature cited by the submitters: PubMed 23220543.

NM_153717.3(EVC):c.2089_2090del (p.Arg697fs)

Gene: EVC (EvC ciliary complex subunit 1; plus strand). Cytogenetic location: 4p16.2.
Variant type: Deletion.
Coding change: c.2089_2090del on transcript NM_153717.3 (MANE Select); coding-DNA positions 2089 to 2090, 2 bases deleted (AG; older notation c.2089_2090delAG).
Protein change: p.Arg697fs; shifts the reading frame from arginine 697.
Molecular consequence: frameshift variant.
Genome position (GRCh38, 1-based): chr4:5,797,224-5,797,225, AG deleted. VCF-style (leftmost placement, unchanged base first): chr4-5797223-CAG-C. GRCh37 (hg19) VCF-style: chr4-5798950-CAG-C.
Other names: c.2089_2090del, p.Arg697fs (NM_001306090.2); short protein forms R697fs.
Identifiers: ClinVar variation 2951191 (VCV002951191.3), dbSNP rs2474386484, ClinGen allele CA2578033560.
Genomic context (GRCh38, chr4:5,797,223, plus strand): 5'-ACAGCGTGCACTGGAGCAGGGGTCCTCCCAGTGCCTGGACGAGCATCAGTGGCAGCTGCT[CAG>C]GGCCCTGGTAAGACCAGCATGGTGGCCCCACCCATTCCAGACAGGCGGTGCCCCTGCAGC-3'